The following is an entry in ClinVar:

NM_000540.3(RYR1):c.5795C>T (p.Pro1932Leu)

Gene: RYR1 (ryanodine receptor 1; plus strand). Cytogenetic location: 19q13.2.
Variant type: single nucleotide variant.
Coding change: c.5795C>T on transcript NM_000540.3 (MANE Select); coding-DNA position 5795, C replaced by T.
Protein change: p.Pro1932Leu; replaces proline 1932 with leucine.
Molecular consequence: missense variant.
Genome position (GRCh38, 1-based): chr19:38,489,424, C>T. VCF-style: chr19-38489424-C-T. GRCh37 (hg19) VCF-style: chr19-38980064-C-T.
Other names: c.5795C>T, p.Pro1932Leu (NM_001042723.2); short protein forms P1932L.
Identifiers: ClinVar variation 3072307 (VCV003072307.1), dbSNP rs1408876851, ClinGen allele CA405660090.

ClinVar aggregate classification (germline): Uncertain significance (1 of 4 stars; one submission).

Conditions:
Malignant hyperthermia, susceptibility to, 1 (MHS1). Also called: Anesthesia related hyperthermia; Malignant hyperpyrexia; Fulminating hyperpyrexia; Pharmacogenic myopathy; RYR1-Related Malignant Hyperthermia Susceptibility; Malignant hyperthermia suceptibility 1. Identifiers: Orphanet 423, MedGen C2930980, MONDO:0007783, OMIM 145600.

Allele frequency attached by ClinVar (database versions not stated): TOPMed below 0.00001; gnomAD 0.00001.
gnomAD v4.1: 1 of 1,613,812 alleles (0.000062%); highest among the groups gnomAD compares: Non-Finnish European, 0.000085%; no homozygotes.

Submission:

All of Us Research Program, National Institutes of Health
Classification: Uncertain significance for Malignant hyperthermia, susceptibility to, 1. Last evaluated: 2023-08-15. Review status: criteria provided, single submitter. Criteria: ACMG Guidelines, 2015. Collection method: clinical testing. Allele origin: germline. Inheritance: Autosomal dominant inheritance. Observed: 1 variant allele, 1 heterozygote.
Comment: This study involves interpretation of variants in research participants for the purpose of population health screening. Participant phenotype was not available at the time of variant classification. Additional details can be found in publication PMID: 35346344, PMCID: PMC8962531